The following is an entry in ClinVar:

NM_001199138.2(NLRC4):c.655C>T (p.Gln219Ter)

Gene: NLRC4 (NLR family CARD domain containing 4; minus strand). Cytogenetic location: 2p22.3.
Variant type: single nucleotide variant.
Coding change: c.655C>T on transcript NM_001199138.2 (MANE Select); coding-DNA position 655, C replaced by T.
Protein change: p.Gln219Ter; replaces glutamine 219 with a stop codon.
Molecular consequence: nonsense. On other transcripts: intron variant (1).
Genome position (GRCh38, 1-based): chr2:32,251,209, G>A on the plus strand (C>T on the coding strand, the complement: NLRC4 is on the minus strand). VCF-style: chr2-32251209-G-A. GRCh37 (hg19) VCF-style: chr2-32476278-G-A.
Other names: c.655C>T, p.Gln219Ter (NM_001199139.2, NM_021209.5); c.262+1210C>T (NM_001302504.1); short protein forms Q219*.
Identifiers: ClinVar variation 858371 (VCV000858371.4), dbSNP rs762280260, ClinGen allele CA1602103.
Genomic context (GRCh38, chr2:32,251,209, plus strand): 5'-GCTTCAGCAGCATGGCCATGAATGTCTGCTTCCTGATTGTGCCAGGTATATCCAGGAGTT[G>A]ATCACAGAGGGTTTCAAAAAGTCCACCCTGGGCCCTGCTGAGACGGAGGAAGAAGACGAA-3'

ClinVar aggregate classification (germline): Uncertain significance. Review status: criteria provided, multiple submitters, no conflicts (2 of 4 stars). 2 submissions from 2 submitters: Uncertain significance (2). Last evaluated 2021-10-09.

Conditions:
Familial cold autoinflammatory syndrome 4 (FCAS4). Identifiers: Orphanet 47045, Orphanet 576349, MedGen C4015276, MONDO:0014498, OMIM 616115.
Periodic fever-infantile enterocolitis-autoinflammatory syndrome. Also called: Autoinflammation with infantile enterocolitis. Identifiers: Orphanet 436166, MedGen C4015067, MONDO:0014472, OMIM 616050.
Autoinflammatory syndrome. Identifiers: Orphanet 93665, MedGen C3890737, MONDO:0019751.

Allele frequency attached by ClinVar (database versions not stated): ExAC 0.00001; gnomAD exomes below 0.00001.
gnomAD v4.1: 3 of 1,614,176 alleles (0.00019%); highest among the groups gnomAD compares: South Asian, 0.0011%; no homozygotes.

Submissions (2):

Genome Diagnostics Laboratory, The Hospital for Sick Children
Classification: Uncertain significance for Autoinflammatory syndrome. Last evaluated: 2021-10-09. Review status: criteria provided, single submitter. Criteria: ACMG Guidelines, 2015. Collection method: clinical testing. Allele origin: germline. Affected: yes.

Labcorp Genetics (formerly Invitae), Labcorp
Classification: Uncertain significance for Autoinflammation with infantile enterocolitis; Familial cold autoinflammatory syndrome 4. Last evaluated: 2019-12-27. Review status: criteria provided, single submitter. Criteria: Invitae Variant Classification Sherloc (09022015). Collection method: clinical testing. Allele origin: germline.
Comment: This sequence change creates a premature translational stop signal (p.Gln219*) in the NLRC4 gene. It is expected to result in an absent or disrupted protein product. This variant is present in population databases (rs762280260, ExAC 0.001%). This variant has not been reported in the literature in individuals with NLRC4-related conditions. The current clinical and genetic evidence is not sufficient to establish whether loss-of-function variants in NLRC4 cause disease. In summary, the available evidence is currently insufficient to determine the role of this variant in disease. Therefore, it has been classified as a Variant of Uncertain Significance.